The following is an entry in ClinVar:

ClinVar aggregate classification (germline): Uncertain significance. Review status: criteria provided, multiple submitters, no conflicts (2 of 4 stars). 2 submissions from 2 submitters: Uncertain significance (2). Last evaluated 2025-09-22.

Conditions:
KSR2-related disorder. Also called: KSR2-related condition.

gnomAD v4.1: 1 of 1,610,748 alleles (0.000062%); highest among the groups gnomAD compares: Admixed American, 0.0017%; no homozygotes.

Submissions (2):

Ambry Genetics
Classification: Uncertain significance. Last evaluated: 2025-09-22. Review status: criteria provided, single submitter. Criteria: Ambry Variant Classification Scheme 2023. Collection method: clinical testing. Allele origin: germline.

PreventionGenetics, part of Exact Sciences
Classification: Uncertain significance for KSR2-related condition. Last evaluated: 2025-03-05. Review status: criteria provided, single submitter. Criteria: ACMG Guidelines, 2015. Collection method: clinical testing. Allele origin: germline.
Comment: The KSR2 c.225G>C variant is predicted to result in the amino acid substitution p.Glu75Asp. To our knowledge, this variant has not been reported in the literature. This variant is reported in 0.0029% of alleles in individuals of Latino descent in gnomAD. At this time, the clinical significance of this variant is uncertain due to the absence of conclusive functional and genetic evidence.

NM_173598.6(KSR2):c.312G>C (p.Glu104Asp)

Gene: KSR2 (kinase suppressor of ras 2; minus strand). Cytogenetic location: 12q24.23.
Variant type: single nucleotide variant.
Coding change: c.312G>C on transcript NM_173598.6 (MANE Select); coding-DNA position 312, G replaced by C.
Protein change: p.Glu104Asp; replaces glutamic acid 104 with aspartic acid.
Molecular consequence: missense variant.
Genome position (GRCh38, 1-based): chr12:117,860,300, C>G on the plus strand (G>C on the coding strand, the complement: KSR2 is on the minus strand). VCF-style: chr12-117860300-C-G. GRCh37 (hg19) VCF-style: chr12-118298105-C-G.
Other names: short protein forms E104D.
Identifiers: ClinVar variation 3351390 (VCV003351390.3).